The following is an entry in ClinVar:

NM_000760.4(CSF3R):c.1351C>T (p.Pro451Ser)

Gene: CSF3R (colony stimulating factor 3 receptor; minus strand). Cytogenetic location: 1p34.3.
Variant type: single nucleotide variant.
Coding change: c.1351C>T on transcript NM_000760.4 (MANE Select); coding-DNA position 1351, C replaced by T.
Protein change: p.Pro451Ser; replaces proline 451 with serine.
Molecular consequence: missense variant.
Genome position (GRCh38, 1-based): chr1:36,469,775, G>A on the plus strand (C>T on the coding strand, the complement: CSF3R is on the minus strand). VCF-style: chr1-36469775-G-A. GRCh37 (hg19) VCF-style: chr1-36935376-G-A.
Other names: c.1351C>T, p.Pro451Ser (NM_156039.3, NM_172313.3); short protein forms P451S.
Identifiers: ClinVar variation 944840 (VCV000944840.9), dbSNP rs139862991, ClinGen allele CA20744493.

ClinVar aggregate classification (germline): Uncertain significance (1 of 4 stars; one submission).

Conditions:
Autosomal recessive severe congenital neutropenia due to CSF3R deficiency. Also called: Neutropenia, severe congenital, 7, autosomal recessive. Identifiers: Orphanet 420702, MedGen C4310764, MONDO:0014865, OMIM 617014.

Allele frequency attached by ClinVar (database versions not stated): gnomAD exomes below 0.00001; ESP Exome Variant Server 0.00008.

Submission:

Labcorp Genetics (formerly Invitae), Labcorp
Classification: Uncertain significance for Autosomal recessive severe congenital neutropenia due to CSF3R deficiency. Last evaluated: 2026-01-24. Review status: criteria provided, single submitter. Criteria: Invitae Variant Classification Sherloc (09022015). Collection method: clinical testing. Allele origin: germline.
Comment: This sequence change replaces proline, which is neutral and non-polar, with serine, which is neutral and polar, at codon 451 of the CSF3R protein (p.Pro451Ser). This variant is not present in population databases (gnomAD no frequency). This variant has not been reported in the literature in individuals affected with CSF3R-related conditions. ClinVar contains an entry for this variant (Variation ID: 944840). Invitae Evidence Modeling of protein sequence and biophysical properties (such as structural, functional, and spatial information, amino acid conservation, physicochemical variation, residue mobility, and thermodynamic stability) indicates that this missense variant is not expected to disrupt CSF3R protein function with a negative predictive value of 80%. In summary, the available evidence is currently insufficient to determine the role of this variant in disease. Therefore, it has been classified as a Variant of Uncertain Significance.